The following is an entry in ClinVar:

NM_017986.4(SLC52A1):c.1214G>A (p.Arg405Gln)

Gene: SLC52A1 (solute carrier family 52 member 1; minus strand). Cytogenetic location: 17p13.2.
Variant type: single nucleotide variant.
Coding change: c.1214G>A on transcript NM_017986.4 (MANE Select); coding-DNA position 1214, G replaced by A.
Protein change: p.Arg405Gln; replaces arginine 405 with glutamine.
Molecular consequence: missense variant.
Genome position (GRCh38, 1-based): chr17:5,033,090, C>T on the plus strand (G>A on the coding strand, the complement: SLC52A1 is on the minus strand). VCF-style: chr17-5033090-C-T. GRCh37 (hg19) VCF-style: chr17-4936385-C-T.
Other names: c.1214G>A, p.Arg405Gln (NM_001104577.2); short protein forms R405Q.
Identifiers: ClinVar variation 2599210 (VCV002599210.4), dbSNP rs777747477, ClinGen allele CA8319595.

ClinVar aggregate classification (germline): Uncertain significance. Review status: criteria provided, multiple submitters, no conflicts (2 of 4 stars). 2 submissions from 2 submitters: Uncertain significance (2). Last evaluated 2025-09-24.

Conditions:
Vitamin B2 deficiency. Identifiers: MedGen C0035528.

Allele frequency attached by ClinVar (database versions not stated): ExAC 0.00007; TOPMed 0.00003; gnomAD 0.00004.

Submissions (2):

Labcorp Genetics (formerly Invitae), Labcorp
Classification: Uncertain significance for Vitamin B2 deficiency. Last evaluated: 2025-09-24. Review status: criteria provided, single submitter. Criteria: Invitae Variant Classification Sherloc (09022015). Collection method: clinical testing. Allele origin: germline.
Comment: This sequence change replaces arginine, which is basic and polar, with glutamine, which is neutral and polar, at codon 405 of the SLC52A1 protein (p.Arg405Gln). This variant is present in population databases (rs777747477, gnomAD 0.06%), and has an allele count higher than expected for a pathogenic variant. This variant has not been reported in the literature in individuals affected with SLC52A1-related conditions. ClinVar contains an entry for this variant (Variation ID: 2599210). Invitae Evidence Modeling of protein sequence and biophysical properties (such as structural, functional, and spatial information, amino acid conservation, physicochemical variation, residue mobility, and thermodynamic stability) indicates that this missense variant is not expected to disrupt SLC52A1 protein function with a negative predictive value of 80%. In summary, the available evidence is currently insufficient to determine the role of this variant in disease. Therefore, it has been classified as a Variant of Uncertain Significance.

Ambry Genetics
Classification: Uncertain significance. Last evaluated: 2025-09-21. Review status: criteria provided, single submitter. Criteria: Ambry Variant Classification Scheme 2023. Collection method: clinical testing. Allele origin: germline.